The following is an entry in ClinVar:

NM_139321.3(ATRN):c.38GGA[2] (p.Arg15del)

Genes: ATRN (attractin; plus strand), LOC130065331 (ATAC-STARR-seq lymphoblastoid silent region 12621; plus strand). Cytogenetic location: 20p13.
Variant type: Microsatellite.
Coding change: c.38GGA[2] on transcript NM_139321.3 (MANE Select); two copies in a row of the 3-base unit GGA starting at c.38; the reference has three copies in a row; one copy, 3 bases deleted.
Protein change: p.Arg15del; deletes arginine 15.
Molecular consequence: inframe deletion. On other transcripts: intron variant (1).
Genome position (GRCh38, 1-based): chr20:3,471,151-3,471,153, GGA deleted; deleting any 3 consecutive bases within chr20:3,471,143-3,471,153 gives the same sequence; the position shown is the placement nearest the transcript's 3' end. VCF-style (leftmost placement, unchanged base first): chr20-3471142-TGAG-T. GRCh37 (hg19) VCF-style: chr20-3451789-TGAG-T.
Other names: c.38GGA[2], p.Arg15del (NM_001323332.2, NM_139322.4); c.62+9GAG[2] (NM_001207047.3); short protein forms R15del.
Identifiers: ClinVar variation 2105078 (VCV002105078.4), dbSNP rs1380172221, ClinGen allele CA634332470.

ClinVar aggregate classification (germline): Uncertain significance (1 of 4 stars; one submission).

Submission:

Labcorp Genetics (formerly Invitae), Labcorp
Classification: Uncertain significance. Last evaluated: 2022-03-01. Review status: criteria provided, single submitter. Criteria: Invitae Variant Classification Sherloc (09022015). Collection method: clinical testing. Allele origin: germline.
Comment: In summary, the available evidence is currently insufficient to determine the role of this variant in disease. Therefore, it has been classified as a Variant of Uncertain Significance. Experimental studies and prediction algorithms are not available or were not evaluated, and the functional significance of this variant is currently unknown. This variant has not been reported in the literature in individuals affected with ATRN-related conditions. The frequency data for this variant in the population databases is considered unreliable, as metrics indicate poor data quality at this position in the gnomAD database. This variant, c.44_46del, results in the deletion of 1 amino acid(s) of the ATRN protein (p.Arg15del), but otherwise preserves the integrity of the reading frame.